The following is an entry in ClinVar:

ClinVar aggregate classification (germline): Pathogenic (1 of 4 stars; one submission).

Conditions:
Duchenne muscular dystrophy (DMD). Also called: Duchenne Muscular Dystrophy (DMD); MUSCULAR DYSTROPHY, PSEUDOHYPERTROPHIC PROGRESSIVE, DUCHENNE TYPE. Identifiers: Orphanet 98896, MedGen C0013264, MONDO:0010679, OMIM 310200.

Submission:

Labcorp Genetics (formerly Invitae), Labcorp
Classification: Pathogenic for Duchenne muscular dystrophy. Last evaluated: 2023-03-23. Review status: criteria provided, single submitter. Criteria: Invitae Variant Classification Sherloc (09022015). Collection method: clinical testing. Allele origin: germline.
Comment: For these reasons, this variant has been classified as Pathogenic. A similar copy number variant has been observed in individuals with Duchenne muscular dystrophy (PMID: 31081998, 31705731). This variant is a gross deletion of the genomic region encompassing exon(s) 1-9 of the DMD gene, which includes the initiator codon. This deletion extends beyond the assayed region for this gene and therefore may encompass additional genes. It is expected to result in an absent or disrupted protein product. Loss-of-function variants in DMD are known to be pathogenic (PMID: 16770791, 25007885).

Literature cited by the submitters: PubMed 31081998; PubMed 31705731; PubMed 16770791; PubMed 25007885.

NC_000023.10:g.(?_32715967)_(33229429_?)del

Gene: DMD (dystrophin; minus strand). Cytogenetic location: Xp21.1.
Variant type: Deletion.
Identifiers: ClinVar variation 2424879 (VCV002424879.5).